The following is an entry in ClinVar:

NM_001126108.2(SLC12A3):c.1176C>T (p.Thr392=)

Gene: SLC12A3 (solute carrier family 12 member 3; plus strand). Cytogenetic location: 16q13.
Variant type: single nucleotide variant.
Coding change: c.1176C>T on transcript NM_001126108.2 (MANE Select); coding-DNA position 1176, C replaced by T.
Protein change: p.Thr392=; no amino-acid change (threonine 392 retained).
Molecular consequence: synonymous variant.
Genome position (GRCh38, 1-based): chr16:56,878,157, C>T. VCF-style: chr16-56878157-C-T. GRCh37 (hg19) VCF-style: chr16-56912069-C-T.
Other names: c.1176C>T, p.Thr392= (NM_000339.3); c.1173C>T, p.Thr391= (NM_001126107.2).
Identifiers: ClinVar variation 779165 (VCV000779165.26), dbSNP rs117440321, ClinGen allele CA8069365.

ClinVar aggregate classification (germline): Benign/Likely benign. Review status: criteria provided, multiple submitters, no conflicts (2 of 4 stars). 9 submissions from 9 submitters: Benign (4); Likely benign (3). 2 of the submissions do not count toward it. Last evaluated 2026-02-01.

Conditions:
SLC12A3-related disorder. Also called: SLC12A3-related condition.
Familial hypokalemia-hypomagnesemia (GTLMNS). Also called: HYPOMAGNESEMIA-HYPOKALEMIA, PRIMARY RENOTUBULAR, WITH HYPOCALCIURIA; POTASSIUM AND MAGNESIUM DEPLETION; gitelman syndrome. Identifiers: Orphanet 358, MedGen C0268450, MONDO:0009904, OMIM 263800.

Allele frequency attached by ClinVar (database versions not stated): TOPMed 0.00260; 1000 Genomes Project 0.00639; 1000 Genomes Project 30x 0.00750.
gnomAD v4.1: 2,422 of 1,611,202 alleles (0.15%); highest among the groups gnomAD compares: Admixed American, 3.1%; 44 homozygotes.

Submissions (9):

Labcorp Genetics (formerly Invitae), Labcorp
Classification: Benign. Last evaluated: 2026-02-01. Review status: criteria provided, single submitter. Criteria: Invitae Variant Classification Sherloc (09022015). Collection method: clinical testing. Allele origin: germline.

Fulgent Genetics
Classification: Likely benign for Familial hypokalemia-hypomagnesemia. Last evaluated: 2021-07-19. Review status: criteria provided, single submitter. Criteria: ACMG Guidelines, 2015. Collection method: clinical testing. Allele origin: unknown.

Genome-Nilou Lab
Classification: Benign for Familial hypokalemia-hypomagnesemia. Last evaluated: 2021-07-15. Review status: criteria provided, single submitter. Criteria: ACMG Guidelines, 2015. Collection method: clinical testing. Allele origin: germline. Affected: no.

GeneDx
Classification: Likely benign. Last evaluated: 2020-11-24. Review status: criteria provided, single submitter. Criteria: GeneDx Variant Classification Process June 2021. Collection method: clinical testing. Allele origin: germline. Affected: yes.

Athena Diagnostics
Classification: Benign. Last evaluated: 2020-09-01. Review status: criteria provided, single submitter. Criteria: Athena Diagnostics criteria. Collection method: clinical testing. Allele origin: unknown.

Illumina Laboratory Services, Illumina
Classification: Benign for Familial hypokalemia-hypomagnesemia. Last evaluated: 2017-04-27. Review status: criteria provided, single submitter. Criteria: ICSL Variant Classification Criteria 13 December 2019. Collection method: clinical testing. Allele origin: germline.
Comment: This variant was observed as part of a predisposition screen in an ostensibly healthy population. A literature search was performed for the gene, cDNA change, and amino acid change (where applicable). No publications were found based on this search. Allele frequency data from public databases was too high to be consistent with this variant causing disease. Therefore, this variant is classified as benign.

Breakthrough Genomics
Classification: Likely benign. Review status: criteria provided, single submitter. Criteria: ACMG Guidelines, 2015. Collection method: not provided. Allele origin: germline. Inheritance: Autosomal recessive inheritance. Affected: yes.

Natera, Inc.
Classification: Benign for Gitelman syndrome. Last evaluated: 2020-09-16. Review status: no assertion criteria provided. Collection method: clinical testing. Allele origin: germline. Not counted in ClinVar's aggregate classification.

PreventionGenetics, part of Exact Sciences
Classification: Benign for SLC12A3-related condition. Last evaluated: 2019-04-12. Review status: no assertion criteria provided. Collection method: clinical testing. Allele origin: germline. Not counted in ClinVar's aggregate classification.
Comment: This variant is classified as benign based on ACMG/AMP sequence variant interpretation guidelines (Richards et al. 2015 PMID: 25741868, with internal and published modifications).